The following is an entry in ClinVar:

ClinVar aggregate classification (germline): Likely benign. Review status: criteria provided, multiple submitters, no conflicts (2 of 4 stars). 2 submissions from 2 submitters: Likely benign (2). Last evaluated 2025-12-01.

Allele frequency attached by ClinVar (database versions not stated): gnomAD 0.00001 and 0.00002; gnomAD exomes 0.00001; ExAC 0.00003; TOPMed 0.00003; 1000 Genomes Project 30x 0.00016; 1000 Genomes Project 0.00020.
gnomAD v4.1: 20 of 1,613,428 alleles (0.0012%); highest among the groups gnomAD compares: Admixed American, 0.013%; no homozygotes.

Submissions (2):

CeGaT Center for Human Genetics Tuebingen
Classification: Likely benign. Last evaluated: 2025-12-01. Review status: criteria provided, single submitter. Criteria: CeGaT Center For Human Genetics Tuebingen Variant Classification Criteria Version 2. Collection method: clinical testing. Allele origin: germline. Affected: yes. Observed: 1 variant allele.
Comment: HSPG2: BP4, BP7

Labcorp Genetics (formerly Invitae), Labcorp
Classification: Likely benign. Last evaluated: 2025-02-24. Review status: criteria provided, single submitter. Criteria: Invitae Variant Classification Sherloc (09022015). Collection method: clinical testing. Allele origin: germline.

NM_005529.7(HSPG2):c.6672C>T (p.Ser2224=)

Genes: HSPG2 (heparan sulfate proteoglycan 2; minus strand), LOC126805655 (CDK7 strongly-dependent group 2 enhancer GRCh37_chr1:22178409-22179608; plus strand). Cytogenetic location: 1p36.12.
Variant type: single nucleotide variant.
Coding change: c.6672C>T on transcript NM_005529.7 (MANE Select); coding-DNA position 6672, C replaced by T.
Protein change: p.Ser2224=; no amino-acid change (serine 2224 retained).
Molecular consequence: synonymous variant.
Genome position (GRCh38, 1-based): chr1:21,852,752, G>A on the plus strand (C>T on the coding strand, the complement: HSPG2 is on the minus strand). VCF-style: chr1-21852752-G-A. GRCh37 (hg19) VCF-style: chr1-22179245-G-A.
Other names: c.6675C>T, p.Ser2225= (NM_001291860.2).
Identifiers: ClinVar variation 727571 (VCV000727571.14), dbSNP rs545388531, ClinGen allele CA671460.
Genomic context (GRCh38, chr1:21,852,752, plus strand): 5'-TCACTCACCAGGGATGACAGAGGCTTCGATGGTGACCAGGACTGAGGCCTCTAGGGGGCC[G>A]GAGGTGCCCACCACATGGCACACATACTCGCCTGAGTCGGCCGGGGTCACCTGGTGCAGC-3'
Protein context (NP_005520.4, residues 2214-2234): GEYVCHVVGT[Ser2224=]GPLEASVLVT